The following is an entry in ClinVar:

ClinVar aggregate classification (germline): Uncertain significance (1 of 4 stars; one submission).

Submission:

GeneDx
Classification: Uncertain significance. Last evaluated: 2024-07-02. Review status: criteria provided, single submitter. Criteria: GeneDx Variant Classification Process June 2021. Collection method: clinical testing. Allele origin: germline. Affected: yes.
Comment: Not observed at significant frequency in large population cohorts (gnomAD); In silico analysis indicates that this missense variant does not alter protein structure/function; Has not been previously published as pathogenic or benign to our knowledge

NM_001042681.2(RERE):c.2392A>T (p.Thr798Ser)

Gene: RERE (arginine-glutamic acid dipeptide repeats; minus strand). Cytogenetic location: 1p36.23.
Variant type: single nucleotide variant.
Coding change: c.2392A>T on transcript NM_001042681.2 (MANE Select); coding-DNA position 2392, A replaced by T.
Protein change: p.Thr798Ser; replaces threonine 798 with serine.
Molecular consequence: missense variant.
Genome position (GRCh38, 1-based): chr1:8,361,115, T>A on the plus strand (A>T on the coding strand, the complement: RERE is on the minus strand). VCF-style: chr1-8361115-T-A. GRCh37 (hg19) VCF-style: chr1-8421175-T-A.
Other names: c.730A>T, p.Thr244Ser (NM_001042682.2); c.2392A>T, p.Thr798Ser (NM_012102.4); short protein forms T244S, T798S.
Identifiers: ClinVar variation 3393847 (VCV003393847.1).